The following is an entry in ClinVar:

ClinVar aggregate classification (germline): Likely benign. Review status: criteria provided, single submitter (1 of 4 stars). 2 submissions from 2 submitters: Likely benign (1). 1 of the submissions does not count toward it. Last evaluated 2023-09-08.

Conditions:
PKD1L1-related disorder. Also called: PKD1L1-related condition.

Allele frequency attached by ClinVar (database versions not stated): TOPMed 0.00001; ExAC 0.00002.
gnomAD v4.1: 15 of 1,614,144 alleles (0.00093%); highest among the groups gnomAD compares: Admixed American, 0.0083%; no homozygotes.

Submissions (2):

Labcorp Genetics (formerly Invitae), Labcorp
Classification: Likely benign. Last evaluated: 2023-09-08. Review status: criteria provided, single submitter. Criteria: Invitae Variant Classification Sherloc (09022015). Collection method: clinical testing. Allele origin: germline.

PreventionGenetics, part of Exact Sciences
Classification: Likely benign for PKD1L1-related condition. Last evaluated: 2021-04-07. Review status: no assertion criteria provided. Collection method: clinical testing. Allele origin: germline. Not counted in ClinVar's aggregate classification.
Comment: This variant is classified as likely benign based on ACMG/AMP sequence variant interpretation guidelines (Richards et al. 2015 PMID: 25741868, with internal and published modifications).

NM_138295.5(PKD1L1):c.4641C>T (p.Pro1547=)

Gene: PKD1L1 (polycystin 1 like 1, transient receptor potential channel interacting; minus strand). Cytogenetic location: 7p12.3.
Variant type: single nucleotide variant.
Coding change: c.4641C>T on transcript NM_138295.5 (MANE Select); coding-DNA position 4641, C replaced by T.
Protein change: p.Pro1547=; no amino-acid change (proline 1547 retained).
Molecular consequence: synonymous variant.
Genome position (GRCh38, 1-based): chr7:47,855,215, G>A on the plus strand (C>T on the coding strand, the complement: PKD1L1 is on the minus strand). VCF-style: chr7-47855215-G-A. GRCh37 (hg19) VCF-style: chr7-47894813-G-A.
Other names: c.4641C>T (NM_138295.3).
Identifiers: ClinVar variation 2976509 (VCV002976509.5), dbSNP rs746238686, ClinGen allele CA4253066.